The following is an entry in ClinVar:

ClinVar aggregate classification (germline): Uncertain significance (1 of 4 stars; one submission).

Submission:

Labcorp Genetics (formerly Invitae), Labcorp
Classification: Uncertain significance. Last evaluated: 2022-08-10. Review status: criteria provided, single submitter. Criteria: Invitae Variant Classification Sherloc (09022015). Collection method: clinical testing. Allele origin: germline.
Comment: In summary, the available evidence is currently insufficient to determine the role of this variant in disease. Therefore, it has been classified as a Variant of Uncertain Significance. Variants that disrupt the consensus splice site are a relatively common cause of aberrant splicing (PMID: 17576681, 9536098). Algorithms developed to predict the effect of sequence changes on RNA splicing suggest that this variant may disrupt the consensus splice site. This variant has not been reported in the literature in individuals affected with IFT27-related conditions. This variant is not present in population databases (gnomAD no frequency). This sequence change falls in intron 4 of the IFT27 gene. It does not directly change the encoded amino acid sequence of the IFT27 protein. It affects a nucleotide within the consensus splice site.

Literature cited by the submitters: PubMed 17576681; PubMed 9536098.

NM_001177701.3(IFT27):c.234+3A>C

Genes: CACNG2-DT (CACNG2 divergent transcript; plus strand), IFT27 (intraflagellar transport 27; minus strand), LOC126863139 (CDK7 strongly-dependent group 2 enhancer GRCh37_chr22:37161913-37163112; plus strand). Cytogenetic location: 22q12.3.
Variant type: single nucleotide variant.
Coding change: c.234+3A>C on transcript NM_001177701.3 (MANE Select); 3 bases into the intron after coding-DNA position 234, A replaced by C.
Molecular consequence: intron variant.
Genome position (GRCh38, 1-based): chr22:36,766,135, T>G on the plus strand (A>C on the coding strand, the complement: IFT27 is on the minus strand). VCF-style: chr22-36766135-T-G. GRCh37 (hg19) VCF-style: chr22-37162179-T-G.
Other names: c.234+3A>C (NM_001363003.2); c.231+3A>C (NM_006860.5).
Identifiers: ClinVar variation 2023420 (VCV002023420.4), dbSNP rs2517827209, ClinGen allele CA2580099739.